The following is an entry in ClinVar:

NM_004525.3(LRP2):c.299G>A (p.Arg100His)

Gene: LRP2 (LDL receptor related protein 2; minus strand). Cytogenetic location: 2q31.1.
Variant type: single nucleotide variant.
Coding change: c.299G>A on transcript NM_004525.3 (MANE Select); coding-DNA position 299, G replaced by A.
Protein change: p.Arg100His; replaces arginine 100 with histidine.
Molecular consequence: missense variant.
Genome position (GRCh38, 1-based): chr2:169,318,773, C>T on the plus strand (G>A on the coding strand, the complement: LRP2 is on the minus strand). VCF-style: chr2-169318773-C-T. GRCh37 (hg19) VCF-style: chr2-170175283-C-T.
Other names: c.299G>A (NM_004525.2); short protein forms R100H.
Identifiers: ClinVar variation 1086427 (VCV001086427.14), dbSNP rs35642533, ClinGen allele CA1955940.

ClinVar aggregate classification (germline): Conflicting classifications of pathogenicity. Review status: criteria provided, conflicting classifications (1 of 4 stars). 5 submissions from 5 submitters: Uncertain significance (1); Benign (1); Likely benign (2). 1 of the submissions does not count toward it. Last evaluated 2026-01-29.

Conditions:
Inborn genetic diseases. Identifiers: MedGen C0950123, MeSH D030342.
LRP2-related disorder. Also called: LRP2-related condition.

Allele frequency attached by ClinVar (database versions not stated): gnomAD exomes 0.00008 and 0.00019; ExAC 0.00023; 1000 Genomes Project 0.00060; gnomAD 0.00075 and 0.00081; 1000 Genomes Project 30x 0.00078; ESP Exome Variant Server 0.00085; TOPMed 0.00100.
gnomAD v4.1: 240 of 1,614,028 alleles (0.015%); highest among the groups gnomAD compares: African/African-American, 0.2%; no homozygotes.

Submissions (5):

Labcorp Genetics (formerly Invitae), Labcorp
Classification: Likely benign. Last evaluated: 2026-01-29. Review status: criteria provided, single submitter. Criteria: Invitae Variant Classification Sherloc (09022015). Collection method: clinical testing. Allele origin: germline.

GeneDx
Classification: Uncertain significance. Last evaluated: 2025-05-14. Review status: criteria provided, single submitter. Criteria: GeneDx Variant Classification Process June 2021. Collection method: clinical testing. Allele origin: germline.
Comment: In silico analysis suggests that this missense variant does not alter protein structure/function; Has not been previously published as pathogenic or benign to our knowledge

Blueprint Genetics
Classification: Benign. Last evaluated: 2023-08-17. Review status: criteria provided, single submitter. Criteria: ACMG Guidelines, 2015. Collection method: clinical testing. Allele origin: germline.

Ambry Genetics
Classification: Likely benign for Inborn genetic diseases. Last evaluated: 2021-06-21. Review status: criteria provided, single submitter. Criteria: Ambry Variant Classification Scheme 2023. Collection method: clinical testing. Allele origin: germline.

PreventionGenetics, part of Exact Sciences
Classification: Likely benign for LRP2-related condition. Last evaluated: 2022-02-24. Review status: no assertion criteria provided. Collection method: clinical testing. Allele origin: germline. Not counted in ClinVar's aggregate classification.
Comment: This variant is classified as likely benign based on ACMG/AMP sequence variant interpretation guidelines (Richards et al. 2015 PMID: 25741868, with internal and published modifications).